The following is an entry in ClinVar:

ClinVar aggregate classification (germline): Uncertain significance (1 of 4 stars; one submission).

Conditions:
Hereditary cancer-predisposing syndrome. Also called: Neoplastic Syndromes, Hereditary; Tumor predisposition; Hereditary neoplastic syndrome; Hereditary Cancer Syndrome. Identifiers: Orphanet 140162, MedGen C0027672, MeSH D009386, MONDO:0015356.

Submission:

Ambry Genetics
Classification: Uncertain significance for Hereditary cancer-predisposing syndrome. Last evaluated: 2026-07-06. Review status: criteria provided, single submitter. Criteria: Ambry Variant Classification Scheme 2023. Collection method: clinical testing. Allele origin: germline.
Comment: The p.D32H variant (also known as c.94G>C), located in coding exon 1 of the PHOX2B gene, results from a G to C substitution at nucleotide position 94. The aspartic acid at codon 32 is replaced by histidine, an amino acid with similar properties. This amino acid position is conserved. In addition, this alteration is predicted to be deleterious by in silico analysis. Based on the available evidence, the clinical significance of this variant remains unclear.

NM_003924.4(PHOX2B):c.94G>C (p.Asp32His)

Genes: PHOX2B (paired like homeobox 2B; minus strand), PHOX2B-AS1 (PHOX2B antisense RNA 1; plus strand). Cytogenetic location: 4p13.
Variant type: single nucleotide variant.
Coding change: c.94G>C on transcript NM_003924.4 (MANE Select); coding-DNA position 94, G replaced by C.
Protein change: p.Asp32His; replaces aspartic acid 32 with histidine.
Molecular consequence: missense variant. On other transcripts: non-coding transcript variant (1).
Genome position (GRCh38, 1-based): chr4:41,748,517, C>G on the plus strand (G>C on the coding strand, the complement: PHOX2B is on the minus strand). VCF-style: chr4-41748517-C-G. GRCh37 (hg19) VCF-style: chr4-41750534-C-G.
Other names: short protein forms D32H.
Identifiers: ClinVar variation 5026531 (VCV005026531.1).